The following is an entry in ClinVar:

NM_003809.3(TNFSF12):c.554G>A (p.Gly185Asp)

Genes: TNFSF12 (TNF superfamily member 12; plus strand), TNFSF12-TNFSF13 (TNFSF12-TNFSF13 readthrough; plus strand). Cytogenetic location: 17p13.1.
Variant type: single nucleotide variant.
Coding change: c.554G>A on transcript NM_003809.3 (MANE Select); coding-DNA position 554, G replaced by A.
Protein change: p.Gly185Asp; replaces glycine 185 with aspartic acid.
Molecular consequence: missense variant. On other transcripts: non-coding transcript variant (1), intron variant (1).
Genome position (GRCh38, 1-based): chr17:7,557,154, G>A. VCF-style: chr17-7557154-G-A. GRCh37 (hg19) VCF-style: chr17-7460471-G-A.
Other names: c.498+252G>A (NM_172089.4); short protein forms G185D.
Identifiers: ClinVar variation 1449315 (VCV001449315.8), dbSNP rs149050050, ClinGen allele CA287468580.

ClinVar aggregate classification (germline): Uncertain significance (1 of 4 stars; one submission).

Conditions:
Common variable immunodeficiency (CVID). Also called: Common variable hypogamma-globulinemia; Common variable agammaglobulinemia. Identifiers: Orphanet 1572, MedGen C0009447, MONDO:0015517.

Allele frequency attached by ClinVar (database versions not stated): gnomAD exomes below 0.00001; TOPMed below 0.00001; gnomAD 0.00001; ESP Exome Variant Server 0.00008.
gnomAD v4.1: 1 of 1,613,740 alleles (0.000062%); highest among the groups gnomAD compares: Non-Finnish European, 0.000085%; no homozygotes.

Submission:

Labcorp Genetics (formerly Invitae), Labcorp
Classification: Uncertain significance for Common variable immunodeficiency. Last evaluated: 2023-09-17. Review status: criteria provided, single submitter. Criteria: Invitae Variant Classification Sherloc (09022015). Collection method: clinical testing. Allele origin: germline.
Comment: ClinVar contains an entry for this variant (Variation ID: 1449315). This sequence change replaces glycine, which is neutral and non-polar, with aspartic acid, which is acidic and polar, at codon 185 of the TNFSF12 protein (p.Gly185Asp). This variant is not present in population databases (gnomAD no frequency). This variant has not been reported in the literature in individuals affected with TNFSF12-related conditions. An algorithm developed to predict the effect of missense changes on protein structure and function (PolyPhen-2) suggests that this variant is likely to be tolerated. In summary, the available evidence is currently insufficient to determine the role of this variant in disease. Therefore, it has been classified as a Variant of Uncertain Significance.